The following is an entry in ClinVar:

NM_001375524.1(TRRAP):c.1116-5C>T

Gene: TRRAP (transformation/transcription domain associated protein; plus strand). Cytogenetic location: 7q22.1.
Variant type: single nucleotide variant.
Coding change: c.1116-5C>T on transcript NM_001375524.1 (MANE Select); 5 bases into the intron before coding-DNA position 1116, C replaced by T.
Molecular consequence: intron variant.
Genome position (GRCh38, 1-based): chr7:98,908,723, C>T. VCF-style: chr7-98908723-C-T. GRCh37 (hg19) VCF-style: chr7-98506346-C-T.
Other names: c.1116-5C>T (NM_001244580.2, NM_003496.4, NM_003496.3).
Identifiers: ClinVar variation 2418020 (VCV002418020.8), dbSNP rs370065940, ClinGen allele CA4359448.

ClinVar aggregate classification (germline): Likely benign. Review status: criteria provided, single submitter (1 of 4 stars). 2 submissions from 2 submitters: Likely benign (1). 1 of the submissions does not count toward it. Last evaluated 2025-11-03.

Conditions:
TRRAP-related disorder. Also called: TRRAP-related condition.

Allele frequency attached by ClinVar (database versions not stated): gnomAD exomes 0.00005; gnomAD 0.00008; TOPMed 0.00009; ExAC 0.00011; 1000 Genomes Project 0.00020; ESP Exome Variant Server 0.00024; 1000 Genomes Project 30x 0.00031.
gnomAD v4.1: 82 of 1,545,466 alleles (0.0053%); highest among the groups gnomAD compares: African/African-American, 0.021%; no homozygotes.

Submissions (2):

Labcorp Genetics (formerly Invitae), Labcorp
Classification: Likely benign. Last evaluated: 2025-11-03. Review status: criteria provided, single submitter. Criteria: Invitae Variant Classification Sherloc (09022015). Collection method: clinical testing. Allele origin: germline.

PreventionGenetics, part of Exact Sciences
Classification: Likely benign for TRRAP-related condition. Last evaluated: 2019-12-05. Review status: no assertion criteria provided. Collection method: clinical testing. Allele origin: germline. Not counted in ClinVar's aggregate classification.
Comment: This variant is classified as likely benign based on ACMG/AMP sequence variant interpretation guidelines (Richards et al. 2015 PMID: 25741868, with internal and published modifications).